The following is an entry in ClinVar:

NM_005629.4(SLC6A8):c.1136_1137del (p.Glu379fs)

Gene: SLC6A8 (solute carrier family 6 member 8; plus strand). Cytogenetic location: Xq28.
Variant type: Microsatellite.
Coding change: c.1136_1137del on transcript NM_005629.4 (MANE Select); coding-DNA positions 1136 to 1137, 2 bases deleted (AG; older notation c.1136_1137delAG).
Protein change: p.Glu379fs; shifts the reading frame from glutamic acid 379.
Molecular consequence: frameshift variant.
Genome position (GRCh38, 1-based): chrX:153,693,581-153,693,582, AG deleted; deleting any 2 consecutive bases within chrX:153,693,579-153,693,582 gives the same sequence; the c. name uses the placement nearest the transcript's 3' end. VCF-style (leftmost placement, unchanged base first): chrX-153693578-CAG-C. GRCh37 (hg19) VCF-style: chrX-152959033-CAG-C.
Other names: NM_005629.4(SLC6A8):c.1136_1137del; p.Glu379fs; c.1136_1137del (NM_005629.3); c.1106_1107del, p.Glu369fs (NM_001142805.2); c.791_792del, p.Glu264fs (NM_001142806.1); short protein forms E264fs, E369fs, E379fs.
Identifiers: ClinVar variation 2031214 (VCV002031214.10), dbSNP rs2522163743, ClinGen allele CA2580612303.
Genomic context (GRCh38, chrX:153,693,578, plus strand): 5'-TGGTCTTCTCCATCCTGGGCTTCATGGCTGCAGAGCAGGGCGTGCACATCTCCAAGGTGG[CAG>C]AGTCAGGTAGGGCCCTACCCCCAGCCCCGCCTCCAGAGCAGCGAGTGCTACCCAGATGCA-3'

ClinVar aggregate classification (germline): Pathogenic. Review status: reviewed by expert panel (3 of 4 stars). 5 submissions from 5 submitters: Pathogenic (1). 4 of the submissions do not count toward it. Last evaluated 2023-12-14.

Conditions:
Creatine transporter deficiency (CCDS1). Also called: CEREBRAL CREATINE DEFICIENCY SYNDROME 1; Creatine Transporter (CRTR) Deficiency; Mental retardation , X-linked with seizures, short stature and midface hypoplasia; Mental retardation , X-linked, with creatine transport deficiency; X-linked creatine transporter deficiency; X-linked creatine deficiency syndrome. Identifiers: Orphanet 52503, MedGen C1845862, MONDO:0010305, OMIM 300352.
Inborn genetic diseases. Identifiers: MedGen C0950123, MeSH D030342.

Submissions (5):

ClinGen Cerebral Creatine Deficiency Syndromes Variant Curation Expert Panel, ClinGen
Classification: Pathogenic for Creatine transporter deficiency. Last evaluated: 2023-12-14. Review status: reviewed by expert panel. Criteria: ClinGen_CCDS_ACMG_Specifications_SLC6A8_v1.1. Collection method: curation. Allele origin: germline.
Comment: The NM_005629.4(SLC6A8):c.1136_1137del (p.Glu379fs) variant in SLC6A8 is a frameshift variant predicted to cause a premature stop codon in biologically-relevant exon 7/13, and is predicted to lead to nonsense mediated decay in a gene in which loss-of-function is an established disease mechanism. There is a ClinVar entry for this variant (Variation ID:2031214, Pathogenic/Likely Pathogenic, 2 stars) with 3 submissions. This variant is absent in population databases (PM2_Supporting). Patient had elevated urine creatine:creatinine ratio 4471 (21–1143 mmol/mol creatinine). H-MRS demonstrated a partially absent creatine peak, meeting criteria for PP4_Strong [PMID:3789175]. The variant was identified de novo in this individual [PMID:3789175]. In summary, this variant meets the criteria to be classified as Pathogenic for Creatine Transporter Deficiency based on the ACMG/AMP criteria applied, as specified by the ClinGen Cerebral Creatine Deficiency Syndromes Variant Curation Expert Panel (Specifications Version 1.1.0): PVS1, PS2, PP4_Strong, PM2_Supporting. (Classification approved by the ClinGen CCDS VCEP on December 14, 2023).

GeneDx
Classification: Pathogenic. Last evaluated: 2024-05-01. Review status: criteria provided, single submitter. Criteria: GeneDx Variant Classification Process June 2021. Collection method: clinical testing. Allele origin: germline. Affected: yes. Not counted in ClinVar's aggregate classification.
Comment: Frameshift variant predicted to result in protein truncation or nonsense mediated decay in a gene for which loss of function is a known mechanism of disease; Not observed at significant frequency in large population cohorts (gnomAD); This variant is associated with the following publications: (PMID: 37891751, 29435807)

Labcorp Genetics (formerly Invitae), Labcorp
Classification: Pathogenic for Creatine transporter deficiency. Last evaluated: 2022-09-19. Review status: criteria provided, single submitter. Criteria: Invitae Variant Classification Sherloc (09022015). Collection method: clinical testing. Allele origin: germline. Not counted in ClinVar's aggregate classification.
Comment: This premature translational stop signal has been observed in individual(s) with creatine transporter deficiency (PMID: 29435807). For these reasons, this variant has been classified as Pathogenic. This variant is not present in population databases (gnomAD no frequency). This sequence change creates a premature translational stop signal (p.Glu379Valfs*85) in the SLC6A8 gene. It is expected to result in an absent or disrupted protein product. Loss-of-function variants in SLC6A8 are known to be pathogenic (PMID: 22281021).

Revvity Omics, Revvity
Classification: Likely pathogenic for Creatine transporter deficiency. Last evaluated: 2022-08-16. Review status: criteria provided, single submitter. Criteria: ACMG Guidelines, 2015. Collection method: clinical testing. Allele origin: germline. Not counted in ClinVar's aggregate classification.

Ambry Genetics
Classification: Pathogenic for Inborn genetic diseases. Last evaluated: 2021-06-16. Review status: criteria provided, single submitter. Criteria: Ambry Variant Classification Scheme 2023. Collection method: clinical testing. Allele origin: germline. Not counted in ClinVar's aggregate classification.
Comment: The c.1136_1137delAG (p.E379Vfs*85) alteration, located in exon 7 (coding exon 7) of the SLC6A8 gene, consists of a deletion of 2 nucleotides from position 1136 to 1137, causing a translational frameshift with a predicted alternate stop codon after 85 amino acids. This alteration is expected to result in loss of function by premature protein truncation or nonsense-mediated mRNA decay. Based on data from the Genome Aggregation Database (gnomAD), the SLC6A8 c.1136_1137delAG alteration was not observed, with coverage at this position. Based on the available evidence, this alteration is classified as pathogenic.

Literature cited by the submitters: PubMed 29435807 (cited by Labcorp Genetics (formerly Invitae), Labcorp and Ambry Genetics); PubMed 22281021 (cited by Labcorp Genetics (formerly Invitae), Labcorp).